The following is an entry in ClinVar:

ClinVar aggregate classification (germline): Uncertain significance. Review status: criteria provided, multiple submitters, no conflicts (2 of 4 stars). 7 submissions from 7 submitters: Uncertain significance (7). Last evaluated 2026-06-05.

Conditions:
Coenzyme Q10 deficiency, primary, 1. Also called: UBIQUINONE DEFICIENCY 1; COENZYME Q DEFICIENCY 1; CoQ DEFICIENCY 1. Identifiers: Orphanet 255249, MedGen C3551954, MONDO:0011829, OMIM 607426.
Multiple system atrophy 1, susceptibility to. Also called: MSA1, SUSCEPTIBILITY TO. Identifiers: MedGen C3714927, MONDO:0020715, OMIM 146500.

Allele frequency attached by ClinVar (database versions not stated): ESP Exome Variant Server 0.00016; 1000 Genomes Project 30x 0.00031; TOPMed 0.00035; 1000 Genomes Project 0.00040; gnomAD 0.00054.
gnomAD v4.1: 99 of 1,597,314 alleles (0.0062%); highest among the groups gnomAD compares: African/African-American, 0.12%; no homozygotes.

Submissions (7):

Women's Health and Genetics/Laboratory Corporation of America, LabCorp
Classification: Uncertain significance. Last evaluated: 2026-06-05. Review status: criteria provided, single submitter. Criteria: LabCorp Variant Classification Summary - May 2015. Collection method: clinical testing. Allele origin: germline.
Comment: Variant summary: COQ2 c.460G>A (p.Gly154Ser) results in a non-conservative amino acid change in the encoded protein sequence. Algorithms developed to predict the effect of missense changes on protein structure and function all suggest that this variant is likely to be disruptive. The variant allele was found at a frequency of 5.9e-05 in 222042 control chromosomes. This frequency is not significantly higher than estimated for disease-causing variants in COQ2, allowing no conclusion about variant significance. To our knowledge, no occurrence of c.460G>A in individuals affected with COQ2-related conditions and no experimental evidence demonstrating its impact on protein function have been reported. ClinVar contains an entry for this variant (Variation ID: 439551). Based on the evidence outlined above, the variant was classified as uncertain significance.

Labcorp Genetics (formerly Invitae), Labcorp
Classification: Uncertain significance. Last evaluated: 2024-11-11. Review status: criteria provided, single submitter. Criteria: Invitae Variant Classification Sherloc (09022015). Collection method: clinical testing. Allele origin: germline.
Comment: This sequence change replaces glycine, which is neutral and non-polar, with serine, which is neutral and polar, at codon 154 of the COQ2 protein (p.Gly154Ser). This variant is present in population databases (rs146983090, gnomAD 0.1%). This variant has not been reported in the literature in individuals affected with COQ2-related conditions. ClinVar contains an entry for this variant (Variation ID: 439551). An algorithm developed to predict the effect of missense changes on protein structure and function (PolyPhen-2) suggests that this variant¬†is likely to be tolerated. In summary, the available evidence is currently insufficient to determine the role of this variant in disease. Therefore, it has been classified as a Variant of Uncertain Significance.

Mayo Clinic Laboratories, Mayo Clinic
Classification: Uncertain significance. Last evaluated: 2024-08-20. Review status: criteria provided, single submitter. Criteria: ACMG Guidelines, 2015. Collection method: clinical testing. Allele origin: germline. Observed: 2 variant alleles.
Comment: BS1

Fulgent Genetics
Classification: Uncertain significance for Multiple system atrophy 1, susceptibility to; Coenzyme Q10 deficiency, primary, 1. Last evaluated: 2024-04-10. Review status: criteria provided, single submitter. Criteria: ACMG Guidelines, 2015. Collection method: clinical testing. Allele origin: germline.

Blueprint Genetics
Classification: Uncertain significance. Last evaluated: 2024-01-10. Review status: criteria provided, single submitter. Criteria: ACMG Guidelines, 2015. Collection method: clinical testing. Allele origin: germline.

GeneDx
Classification: Uncertain significance. Last evaluated: 2022-10-31. Review status: criteria provided, single submitter. Criteria: GeneDx Variant Classification Process June 2021. Collection method: clinical testing. Allele origin: germline. Affected: yes.
Comment: In silico analysis supports that this missense variant has a deleterious effect on protein structure/function; Has not been previously published as pathogenic or benign to our knowledge

ARUP Laboratories, Molecular Genetics and Genomics, ARUP Laboratories
Classification: Uncertain significance. Last evaluated: 2017-05-05. Review status: criteria provided, single submitter. Criteria: ARUP Molecular Germline Variant Investigation Process. Collection method: clinical testing. Allele origin: germline.
Comment: The p.Gly154Ser variant (rs146983090) has not been reported in the medical literature, is not listed in gene-specific variant databases, nor has it been previously identified in our laboratory. It is listed in the Genome Aggregation Database (gnomAD) browser with a frequency in African populations of 0.13% (identified in 29 out of 21,834 chromosomes). The glycine at codon 154 is highly conserved considering 12 species up to C. elegans (Alamut software v2.9), and computational analyses suggest this variant has a significant effect on COQ2 protein structure/function (SIFT: damaging, PolyPhen2: possibly damaging, and Mutation Taster: disease causing). Additionally, variants affecting two other nearby variants (c.440T>C; p.Ile147Thr and c.469C>T; p.Pro157Ser) were found in a cohort of multiple-system atrophy patients and both were shown to disrupt COQ2 protein function using enzyme activity/yeast complementation assays (Mitsui 2013); suggesting this region of COQ2 is critical for function. However, based on the available information, the clinical significance of the p.Gly154Ser variant cannot be determined with certainty.

NM_001358921.2(COQ2):c.310G>A (p.Gly104Ser)

Gene: COQ2 (coenzyme Q2, polyprenyltransferase; minus strand). Cytogenetic location: 4q21.23.
Variant type: single nucleotide variant.
Coding change: c.310G>A on transcript NM_001358921.2 (MANE Select); coding-DNA position 310, G replaced by A.
Protein change: p.Gly104Ser; replaces glycine 104 with serine.
Molecular consequence: missense variant.
Genome position (GRCh38, 1-based): chr4:83,279,058, C>T on the plus strand (G>A on the coding strand, the complement: COQ2 is on the minus strand). VCF-style: chr4-83279058-C-T. GRCh37 (hg19) VCF-style: chr4-84200211-C-T.
Other names: c.460G>A, p.Gly154Ser (NM_015697.9); short protein forms G154S, G104S.
Identifiers: ClinVar variation 439551 (VCV000439551.20), dbSNP rs146983090, ClinGen allele CA2988630.